The following is an entry in ClinVar:

ClinVar aggregate classification (germline): Uncertain significance (1 of 4 stars; one submission).

Submission:

Labcorp Genetics (formerly Invitae), Labcorp
Classification: Uncertain significance. Last evaluated: 2025-11-07. Review status: criteria provided, single submitter. Criteria: Invitae Variant Classification Sherloc (09022015). Collection method: clinical testing. Allele origin: germline.
Comment: This sequence change replaces valine, which is neutral and non-polar, with phenylalanine, which is neutral and non-polar, at codon 1489 of the MYO7A protein (p.Val1489Phe). This variant is not present in population databases (gnomAD no frequency). This variant has not been reported in the literature in individuals affected with MYO7A-related conditions. Invitae Evidence Modeling of protein sequence and biophysical properties (such as structural, functional, and spatial information, amino acid conservation, physicochemical variation, residue mobility, and thermodynamic stability) indicates that this missense variant is not expected to disrupt MYO7A protein function with a negative predictive value of 95%. In summary, the available evidence is currently insufficient to determine the role of this variant in disease. Therefore, it has been classified as a Variant of Uncertain Significance.

NM_000260.4(MYO7A):c.4465G>T (p.Val1489Phe)

Gene: MYO7A (myosin VIIA; plus strand). Cytogenetic location: 11q13.5.
Variant type: single nucleotide variant.
Coding change: c.4465G>T on transcript NM_000260.4 (MANE Select); coding-DNA position 4465, G replaced by T.
Protein change: p.Val1489Phe; replaces valine 1489 with phenylalanine.
Molecular consequence: missense variant.
Genome position (GRCh38, 1-based): chr11:77,198,518, G>T. VCF-style: chr11-77198518-G-T. GRCh37 (hg19) VCF-style: chr11-76909563-G-T.
Other names: c.4465G>T, p.Val1489Phe (NM_001127180.2); c.4432G>T, p.Val1478Phe (NM_001369365.1); short protein forms V1478F, V1489F.
Identifiers: ClinVar variation 4800484 (VCV004800484.1).